The following is an entry in ClinVar:

ClinVar aggregate classification (germline): Likely pathogenic (1 of 4 stars; one submission).

Conditions:
Joubert syndrome 38. Identifiers: MedGen C5561958, MONDO:0030353, OMIM 619476.

Allele frequency attached by ClinVar (database versions not stated): TOPMed below 0.00001; ExAC 0.00001; gnomAD 0.00001; gnomAD exomes 0.00002.
gnomAD v4.1: 36 of 1,613,806 alleles (0.0022%); highest among the groups gnomAD compares: Non-Finnish European, 0.003%; no homozygotes.

Submission:

Victorian Clinical Genetics Services, Murdoch Childrens Research Institute
Classification: Likely pathogenic for Joubert syndrome 38. Last evaluated: 2022-03-31. Review status: criteria provided, single submitter. Criteria: ACMG Guidelines, 2015. Collection method: clinical testing. Allele origin: germline. Inheritance: Autosomal recessive inheritance. Affected: yes.
Comment: Based on the classification scheme VCGS_Germline_v1.3.4, this variant is classified as Likely pathogenic. Following criteria are met: 0102 - Loss of function is a known mechanism of disease in this gene and is associated with Joubert syndrome 38 (MIM#619476). (I) 0106 - This gene is associated with autosomal recessive disease. (I) 0200 - Variant is predicted to result in a missense amino acid change from methionine to threonine. (I) 0251 - This variant is heterozygous. (I) 0304 - Variant is present in gnomAD <0.01 for a recessive condition (v3: 1 heterozygote, 0 homozygotes). (SP) 0502 - Missense variant with conflicting in silico predictions and uninformative conservation. (I) 0604 - Variant is not located in an established domain, motif, hotspot or informative constraint region. (I) 0705 - No comparable missense variants have previous evidence for pathogenicity. (I) 0807 - This variant has no previous evidence of pathogenicity. (I) 0905 - No published segregation evidence has been identified for this variant. (I) 1007 - No published functional evidence has been identified for this variant. (I) 1201 - Heterozygous variant in trans with two pathogenic heterozygous variants (NM_014804.2:c.1891A>T; p.(Lys631*) and NM_014804.2:c.1546-3C>A; p.(Asp439Glyfs*6)) in a recessive disease. (SP) 1102 - Strong phenotype match for this individual. (I) Legend: (SP) - Supporting pathogenic, (I) - Information, (SB) - Supporting benign

NM_014804.3(KIAA0753):c.2333T>C (p.Met778Thr)

Gene: KIAA0753 (KIAA0753; minus strand). Cytogenetic location: 17p13.1.
Variant type: single nucleotide variant.
Coding change: c.2333T>C on transcript NM_014804.3 (MANE Select); coding-DNA position 2333, T replaced by C.
Protein change: p.Met778Thr; replaces methionine 778 with threonine.
Molecular consequence: missense variant. On other transcripts: non-coding transcript variant (3).
Genome position (GRCh38, 1-based): chr17:6,596,183, A>G on the plus strand (T>C on the coding strand, the complement: KIAA0753 is on the minus strand). VCF-style: chr17-6596183-A-G. GRCh37 (hg19) VCF-style: chr17-6499503-A-G.
Other names: c.1436T>C, p.Met479Thr (NM_001351225.2); short protein forms M479T, M778T.
Identifiers: ClinVar variation 2500739 (VCV002500739.2), dbSNP rs750740421, ClinGen allele CA8330194.